The following is an entry in ClinVar:

NM_001098816.3(TENM4):c.8115C>T (p.Arg2705=)

Gene: TENM4 (teneurin transmembrane protein 4; minus strand). Cytogenetic location: 11q14.1.
Variant type: single nucleotide variant.
Coding change: c.8115C>T on transcript NM_001098816.3 (MANE Select); coding-DNA position 8115, C replaced by T.
Protein change: p.Arg2705=; no amino-acid change (arginine 2705 retained).
Molecular consequence: synonymous variant.
Genome position (GRCh38, 1-based): chr11:78,658,253, G>A on the plus strand (C>T on the coding strand, the complement: TENM4 is on the minus strand). VCF-style: chr11-78658253-G-A. GRCh37 (hg19) VCF-style: chr11-78369298-G-A.
Identifiers: ClinVar variation 2642203 (VCV002642203.24), dbSNP rs117724179, ClinGen allele CA6206081.

ClinVar aggregate classification (germline): Likely benign (1 of 4 stars; one submission).

Allele frequency attached by ClinVar (database versions not stated): ESP Exome Variant Server 0.00056; gnomAD 0.00138; 1000 Genomes Project 30x 0.00203; 1000 Genomes Project 0.00240.
gnomAD v4.1: 1,917 of 1,613,628 alleles (0.12%); highest among the groups gnomAD compares: East Asian, 1.8%; 15 homozygotes.

Submission:

CeGaT Center for Human Genetics Tuebingen
Classification: Likely benign. Last evaluated: 2023-11-01. Review status: criteria provided, single submitter. Criteria: CeGaT Center For Human Genetics Tuebingen Variant Classification Criteria Version 2. Collection method: clinical testing. Allele origin: germline. Affected: yes. Observed: 3 variant alleles.
Comment: TENM4: BP4, BP7